The following is an entry in ClinVar:

ClinVar aggregate classification (germline): not provided (0 of 4 stars; one submission).

Submission:

ITMI
No classification provided. Condition: AllHighlyPenetrant. Last evaluated: 2013-09-19. Review status: no classification provided. Collection method: reference population. Allele origin: germline.
Comment: Please see associated publication for description of ethnicities

Literature cited by the submitters: PubMed 24728327.

NM_004629.2(FANCG):c.863G>T (p.Arg288Met)

Gene: FANCG (FA complementation group G; minus strand). Cytogenetic location: 9p13.3.
Variant type: single nucleotide variant.
Coding change: c.863G>T on transcript NM_004629.2 (MANE Select); coding-DNA position 863, G replaced by T.
Protein change: p.Arg288Met; replaces arginine 288 with methionine.
Molecular consequence: missense variant.
Genome position (GRCh38, 1-based): chr9:35,076,785, C>A on the plus strand (G>T on the coding strand, the complement: FANCG is on the minus strand). VCF-style: chr9-35076785-C-A. GRCh37 (hg19) VCF-style: chr9-35076782-C-A.
Other names: short protein forms R288M.
Identifiers: ClinVar variation 134368 (VCV000134368.1), dbSNP rs587778347, ClinGen allele CA159619.